The following is an entry in ClinVar:

ClinVar aggregate classification (germline): Likely pathogenic (1 of 4 stars; one submission).

Conditions:
Legius syndrome. Identifiers: Orphanet 137605, MedGen C1969623, MONDO:0012669, OMIM 611431. Disease mechanism: loss of function.

Allele frequency attached by ClinVar (database versions not stated): gnomAD exomes below 0.00001.
gnomAD v4.1: 1 of 1,613,020 alleles (0.000062%); no homozygotes.

Submission:

Labcorp Genetics (formerly Invitae), Labcorp
Classification: Likely pathogenic for Legius syndrome. Last evaluated: 2022-08-05. Review status: criteria provided, single submitter. Criteria: Invitae Variant Classification Sherloc (09022015). Collection method: clinical testing. Allele origin: germline.
Comment: This sequence change affects a donor splice site in intron 3 of the SPRED1 gene. It is expected to disrupt RNA splicing. Variants that disrupt the donor or acceptor splice site typically lead to a loss of protein function (PMID: 16199547), and loss-of-function variants in SPRED1 are known to be pathogenic (PMID: 17704776). This variant is not present in population databases (gnomAD no frequency). This variant has not been reported in the literature in individuals affected with SPRED1-related conditions. In summary, the currently available evidence indicates that the variant is pathogenic, but additional data are needed to prove that conclusively. Therefore, this variant has been classified as Likely Pathogenic. ClinVar contains an entry for this variant (Variation ID: 972349). Algorithms developed to predict the effect of sequence changes on RNA splicing suggest that this variant may disrupt the consensus splice site.

Literature cited by the submitters: PubMed 16199547; PubMed 17704776.

NM_152594.3(SPRED1):c.376+1G>A

Gene: SPRED1 (sprouty related EVH1 domain containing 1; plus strand). Cytogenetic location: 15q14.
Variant type: single nucleotide variant.
Coding change: c.376+1G>A on transcript NM_152594.3 (MANE Select); the canonical splice donor site of the intron after coding-DNA position 376, G replaced by A.
Molecular consequence: splice donor variant.
Genome position (GRCh38, 1-based): chr15:38,322,410, G>A. VCF-style: chr15-38322410-G-A. GRCh37 (hg19) VCF-style: chr15-38614611-G-A.
Identifiers: ClinVar variation 972349 (VCV000972349.8), dbSNP rs1184012360, ClinGen allele CA391932266.